The following is an entry in ClinVar:

NM_058216.3(RAD51C):c.293G>C (p.Gly98Ala)

Gene: RAD51C (RAD51 paralog C; plus strand). Cytogenetic location: 17q22.
Variant type: single nucleotide variant.
Coding change: c.293G>C on transcript NM_058216.3 (MANE Select); coding-DNA position 293, G replaced by C.
Protein change: p.Gly98Ala; replaces glycine 98 with alanine.
Molecular consequence: missense variant. On other transcripts: non-coding transcript variant (2).
Genome position (GRCh38, 1-based): chr17:58,695,078, G>C. VCF-style: chr17-58695078-G-C. GRCh37 (hg19) VCF-style: chr17-56772439-G-C.
Other names: c.293G>C, p.Gly98Ala (NM_002876.4); short protein forms G98A.
Identifiers: ClinVar variation 409839 (VCV000409839.17), dbSNP rs1060502586, ClinGen allele CA16615447.

ClinVar aggregate classification (germline): Conflicting classifications of pathogenicity. Review status: criteria provided, conflicting classifications (1 of 4 stars). 5 submissions from 5 submitters: Uncertain significance (4); Benign (1). Last evaluated 2025-10-24.

Conditions:
Breast-ovarian cancer, familial, susceptibility to, 3. Also called: RAD51C-Related Breast/Ovarian Cancer. Identifiers: Orphanet 145, MedGen C3150659, MONDO:0013253, OMIM 613399.
Fanconi anemia complementation group O. Also called: RAD51C-Related Fanconi Anemia. Identifiers: Orphanet 84, MedGen C3150653, MONDO:0013248, OMIM 613390.
Hereditary cancer-predisposing syndrome. Also called: Hereditary neoplastic syndrome; Neoplastic Syndromes, Hereditary; Tumor predisposition; Hereditary Cancer Syndrome. Identifiers: Orphanet 140162, MedGen C0027672, MeSH D009386, MONDO:0015356.

gnomAD v4.1: 1 of 1,614,058 alleles (0.000062%); highest among the groups gnomAD compares: Admixed American, 0.0017%; no homozygotes.

Submissions (5):

Ambry Genetics
Classification: Benign for Hereditary cancer-predisposing syndrome. Last evaluated: 2025-10-24. Review status: criteria provided, single submitter. Criteria: Ambry Variant Classification Scheme 2023. Collection method: clinical testing. Allele origin: germline.

Labcorp Genetics (formerly Invitae), Labcorp
Classification: Uncertain significance for Fanconi anemia complementation group O. Last evaluated: 2024-10-16. Review status: criteria provided, single submitter. Criteria: Invitae Variant Classification Sherloc (09022015). Collection method: clinical testing. Allele origin: germline.
Comment: This sequence change replaces glycine, which is neutral and non-polar, with alanine, which is neutral and non-polar, at codon 98 of the RAD51C protein (p.Gly98Ala). This variant is not present in population databases (gnomAD no frequency). This variant has not been reported in the literature in individuals affected with RAD51C-related conditions. ClinVar contains an entry for this variant (Variation ID: 409839). Invitae Evidence Modeling of protein sequence and biophysical properties (such as structural, functional, and spatial information, amino acid conservation, physicochemical variation, residue mobility, and thermodynamic stability) indicates that this missense variant is not expected to disrupt RAD51C protein function with a negative predictive value of 80%. In summary, the available evidence is currently insufficient to determine the role of this variant in disease. Therefore, it has been classified as a Variant of Uncertain Significance.

Color Diagnostics, LLC DBA Color Health
Classification: Uncertain significance for Hereditary cancer-predisposing syndrome. Last evaluated: 2024-03-06. Review status: criteria provided, single submitter. Criteria: ACMG Guidelines, 2015. Collection method: clinical testing. Allele origin: germline.
Comment: This missense variant replaces glycine with alanine at codon 98 of the RAD51C protein. Computational prediction suggests that this variant may not impact protein structure and function (internally defined REVEL score threshold <= 0.5, PMID: 27666373). To our knowledge, functional studies have not been reported for this variant. This variant has not been reported in individuals affected with hereditary cancer in the literature. This variant has not been identified in the general population by the Genome Aggregation Database (gnomAD). The available evidence is insufficient to determine the role of this variant in disease conclusively. Therefore, this variant is classified as a Variant of Uncertain Significance.

Baylor Genetics
Classification: Uncertain significance for Breast-ovarian cancer, familial, susceptibility to, 3. Last evaluated: 2023-10-12. Review status: criteria provided, single submitter. Criteria: ACMG Guidelines, 2015. Collection method: clinical testing. Allele origin: unknown.

GeneDx
Classification: Uncertain significance. Last evaluated: 2019-08-13. Review status: criteria provided, single submitter. Criteria: GeneDx Variant Classification Process June 2021. Collection method: clinical testing. Allele origin: germline. Affected: yes.
Comment: Not observed in large population cohorts (Lek 2016); In silico analysis, which includes protein predictors and evolutionary conservation, supports that this variant does not alter protein structure/function; Has not been previously published as pathogenic or benign to our knowledge